The following is an entry in ClinVar:

NM_001378454.1(ALMS1):c.7752G>C (p.Lys2584Asn)

Gene: ALMS1 (ALMS1 centrosome and basal body associated protein; plus strand). Cytogenetic location: 2p13.1.
Variant type: single nucleotide variant.
Coding change: c.7752G>C on transcript NM_001378454.1 (MANE Select); coding-DNA position 7752, G replaced by C.
Protein change: p.Lys2584Asn; replaces lysine 2584 with asparagine.
Molecular consequence: missense variant.
Genome position (GRCh38, 1-based): chr2:73,489,711, G>C. VCF-style: chr2-73489711-G-C. GRCh37 (hg19) VCF-style: chr2-73716838-G-C.
Other names: c.7755G>C, p.Lys2585Asn (NM_015120.4); short protein forms K2584N, K2585N.
Identifiers: ClinVar variation 2163579 (VCV002163579.2), dbSNP rs745947655, ClinGen allele CA1714340.

ClinVar aggregate classification (germline): Uncertain significance. Review status: criteria provided, multiple submitters, no conflicts (2 of 4 stars). 2 submissions from 2 submitters: Uncertain significance (2). Last evaluated 2026-04-24.

Conditions:
Cardiovascular phenotype. Identifiers: MedGen CN230736.
Alstrom syndrome (ALMS). Identifiers: Orphanet 64, MedGen C0268425, MONDO:0008763, OMIM 203800.

gnomAD v4.1: 4 of 1,614,056 alleles (0.00025%); highest among the groups gnomAD compares: Non-Finnish European, 0.00034%; no homozygotes.

Submissions (2):

Ambry Genetics
Classification: Uncertain significance for Cardiovascular phenotype. Last evaluated: 2026-04-24. Review status: criteria provided, single submitter. Criteria: Ambry Variant Classification Scheme 2023. Collection method: clinical testing. Allele origin: germline.
Comment: The p.K2585N variant (also known as c.7755G>C), located in coding exon 10 of the ALMS1 gene, results from a G to C substitution at nucleotide position 7755. The lysine at codon 2585 is replaced by asparagine, an amino acid with similar properties. This amino acid position is highly conserved in available vertebrate species. In addition, this alteration is predicted to be tolerated by in silico analysis. Based on the available evidence, the clinical significance of this variant remains unclear.

Labcorp Genetics (formerly Invitae), Labcorp
Classification: Uncertain significance for Alstrom syndrome. Last evaluated: 2022-03-14. Review status: criteria provided, single submitter. Criteria: Invitae Variant Classification Sherloc (09022015). Collection method: clinical testing. Allele origin: germline.
Comment: This sequence change replaces lysine, which is basic and polar, with asparagine, which is neutral and polar, at codon 2585 of the ALMS1 protein (p.Lys2585Asn). This variant is present in population databases (rs745947655, gnomAD 0.0009%). This variant has not been reported in the literature in individuals affected with ALMS1-related conditions. Experimental studies and prediction algorithms are not available or were not evaluated, and the functional significance of this variant is currently unknown. In summary, the available evidence is currently insufficient to determine the role of this variant in disease. Therefore, it has been classified as a Variant of Uncertain Significance.